The following is an entry in ClinVar:

NM_014989.7(RIMS1):c.4057A>G (p.Thr1353Ala)

Gene: RIMS1 (regulating synaptic membrane exocytosis 1; plus strand). Cytogenetic location: 6q13.
Variant type: single nucleotide variant.
Coding change: c.4057A>G on transcript NM_014989.7 (MANE Select); coding-DNA position 4057, A replaced by G.
Protein change: p.Thr1353Ala; replaces threonine 1353 with alanine.
Molecular consequence: missense variant. On other transcripts: intron variant (24).
Genome position (GRCh38, 1-based): chr6:72,313,599, A>G. VCF-style: chr6-72313599-A-G. GRCh37 (hg19) VCF-style: chr6-73023302-A-G.
Other names: c.2017A>G, p.Thr673Ala (NM_001168407.2); c.1978A>G, p.Thr660Ala (NM_001350414.2); c.2101A>G, p.Thr701Ala (NM_001350415.2); c.2050A>G, p.Thr684Ala (NM_001350416.2); c.2023A>G, p.Thr675Ala (NM_001350418.2); c.2131A>G, p.Thr711Ala (NM_001350420.2); c.1876A>G, p.Thr626Ala (NM_001350421.2); c.1792A>G, p.Thr598Ala (NM_001350423.2, NM_001350444.2); and 51 more; short protein forms T1353A, T569A, T579A, T584A, T622A, T627A, T643A, T653A.
Identifiers: ClinVar variation 357856 (VCV000357856.7), dbSNP rs886061709, ClinGen allele CA10627495.

ClinVar aggregate classification (germline): Uncertain significance (1 of 4 stars; one submission).

Allele frequency attached by ClinVar (database versions not stated): gnomAD exomes 0.00001 and 0.00002; gnomAD 0.00002; TOPMed 0.00003.
gnomAD v4.1: 22 of 1,613,644 alleles (0.0014%); highest among the groups gnomAD compares: Non-Finnish European, 0.00025%; no homozygotes.

Submission:

Labcorp Genetics (formerly Invitae), Labcorp
Classification: Uncertain significance. Last evaluated: 2025-03-19. Review status: criteria provided, single submitter. Criteria: Invitae Variant Classification Sherloc (09022015). Collection method: clinical testing. Allele origin: germline.
Comment: This sequence change replaces threonine, which is neutral and polar, with alanine, which is neutral and non-polar, at codon 1353 of the RIMS1 protein (p.Thr1353Ala). This variant is present in population databases (no rsID available, gnomAD 0.05%). This variant has not been reported in the literature in individuals affected with RIMS1-related conditions. ClinVar contains an entry for this variant (Variation ID: 357856). An algorithm developed to predict the effect of missense changes on protein structure and function outputs the following: PolyPhen-2: "Benign". The alanine amino acid residue is found in multiple mammalian species, which suggests that this missense change does not adversely affect protein function. In summary, the available evidence is currently insufficient to determine the role of this variant in disease. Therefore, it has been classified as a Variant of Uncertain Significance.